The following is an entry in ClinVar:

NM_000271.5(NPC1):c.1947+14_1947+15insGGGC

Gene: NPC1 (NPC intracellular cholesterol transporter 1; minus strand). Cytogenetic location: 18q11.2.
Variant type: Insertion.
Coding change: c.1947+14_1947+15insGGGC on transcript NM_000271.5 (MANE Select); bases 14 to 15 of the intron after coding-DNA position 1947, GGGC inserted.
Molecular consequence: intron variant.
Genome position: GRCh38 VCF-style: chr18-23544945-C-CCCCG. GRCh37 (hg19) VCF-style: chr18-21124909-C-CCCCG.
Other names: c.1947+14_1947+15insCGGG (NM_000271.4).
Identifiers: ClinVar variation 1578472 (VCV001578472.11), dbSNP rs1555634634, ClinGen allele CA8913297.

ClinVar aggregate classification (germline): Likely benign. Review status: criteria provided, multiple submitters, no conflicts (2 of 4 stars). 3 submissions from 3 submitters: Likely benign (2). 1 of the submissions does not count toward it. Last evaluated 2025-10-21.

Conditions:
Niemann-Pick disease, type C1. Also called: NEUROVISCERAL STORAGE DISEASE WITH VERTICAL SUPRANUCLEAR OPHTHALMOPLEGIA; NIEMANN-PICK DISEASE WITH CHOLESTEROL ESTERIFICATION BLOCK; NIEMANN-PICK DISEASE WITHOUT SPHINGOMYELINASE DEFICIENCY; NIEMANN-PICK DISEASE, CHRONIC NEURONOPATHIC FORM; NIEMANN-PICK DISEASE, VARIANT TYPE C1. Identifiers: Orphanet 646, MedGen C3179455, MONDO:0009757, OMIM 257220.
NPC1-related disorder. Also called: NPC1-related condition.

Submissions (3):

Labcorp Genetics (formerly Invitae), Labcorp
Classification: Likely benign for Niemann-Pick disease, type C1. Last evaluated: 2025-10-21. Review status: criteria provided, single submitter. Criteria: Invitae Variant Classification Sherloc (09022015). Collection method: clinical testing. Allele origin: germline.

Blueprint Genetics
Classification: Likely benign. Last evaluated: 2022-09-20. Review status: criteria provided, single submitter. Criteria: ACMG Guidelines, 2015. Collection method: clinical testing. Allele origin: germline.

PreventionGenetics, part of Exact Sciences
Classification: Likely benign for NPC1-related condition. Last evaluated: 2023-03-04. Review status: no assertion criteria provided. Collection method: clinical testing. Allele origin: germline. Not counted in ClinVar's aggregate classification.
Comment: This variant is classified as likely benign based on ACMG/AMP sequence variant interpretation guidelines (Richards et al. 2015 PMID: 25741868, with internal and published modifications).